The following is an entry in ClinVar:

NM_032758.4(PHF5A):c.110_111del (p.Val37fs)

Gene: PHF5A (PHD finger protein 5A; minus strand). Cytogenetic location: 22q13.2.
Variant type: Microsatellite.
Coding change: c.110_111del on transcript NM_032758.4 (MANE Select); coding-DNA positions 110 to 111, 2 bases deleted (TG; older notation c.110_111delTG).
Protein change: p.Val37fs; shifts the reading frame from valine 37.
Molecular consequence: frameshift variant.
Genome position (GRCh38, 1-based): chr22:41,467,580-41,467,581, CA deleted on the plus strand (TG on the coding strand, the reverse complement: PHF5A is on the minus strand); deleting any 2 consecutive bases within chr22:41,467,580-41,467,583 gives the same sequence; the c. name uses the placement nearest the transcript's 3' end. VCF-style (leftmost placement, unchanged base first): chr22-41467579-GCA-G. GRCh37 (hg19) VCF-style: chr22-41863583-GCA-G.
Other names: short protein forms V37fs.
Identifiers: ClinVar variation 2626957 (VCV002626957.1), dbSNP rs2518187255, ClinGen allele CA2582342887.

ClinVar aggregate classification (germline): Uncertain significance (1 of 4 stars; one submission).

Submission:

Greenwood Genetic Center Diagnostic Laboratories, Greenwood Genetic Center
Classification: Uncertain significance. Last evaluated: 2023-09-20. Review status: criteria provided, single submitter. Criteria: ACMG Guidelines, 2015. Collection method: clinical testing. Allele origin: germline. Affected: yes.
Comment: Gene of Uncertain Significance